The following is an entry in ClinVar:

NM_015466.4(PTPN23):c.1291C>T (p.Arg431Trp)

Gene: PTPN23 (protein tyrosine phosphatase non-receptor type 23; plus strand). Cytogenetic location: 3p21.31.
Variant type: single nucleotide variant.
Coding change: c.1291C>T on transcript NM_015466.4 (MANE Select); coding-DNA position 1291, C replaced by T.
Protein change: p.Arg431Trp; replaces arginine 431 with tryptophan.
Molecular consequence: missense variant.
Genome position (GRCh38, 1-based): chr3:47,408,451, C>T. VCF-style: chr3-47408451-C-T. GRCh37 (hg19) VCF-style: chr3-47449941-C-T.
Other names: c.913C>T, p.Arg305Trp (NM_001304482.2); c.1291C>T (NM_015466.2); short protein forms R431W, R305W.
Identifiers: ClinVar variation 636317 (VCV000636317.10), dbSNP rs150712932, ClinGen allele CA2365697.
Genomic context (GRCh38, chr3:47,408,451, plus strand): 5'-CTTGATGCCTACAGCCACATCCCACCCCAGCTCATGGAGAAGTGCGCGGCTCTCAGCGTC[C>T]GGCCCGACACTGTCAGGAACCTTGTACAGTCCATGCAAGGTGAGTAAGGGGCAGAGCAAG-3'
Protein context (NP_056281.1, residues 421-441): LMEKCAALSV[Arg431Trp]PDTVRNLVQS

ClinVar aggregate classification (germline): Uncertain significance. Review status: criteria provided, multiple submitters, no conflicts (2 of 4 stars). 5 submissions from 5 submitters: Uncertain significance (4). 1 of the submissions does not count toward it. Last evaluated 2026-02-02.

Conditions:
Brain atrophy. Identifiers: MedGen C4551584, HP:0012444.
Global developmental delay (DD). Also called: Cognitive delay. Identifiers: MedGen C0557874, HP:0001263. Disease mechanism: loss of function.
Neurodevelopmental disorder and structural brain anomalies with or without seizures and spasticity. Identifiers: MedGen C5394423, MONDO:0030046, OMIM 618890.

Allele frequency attached by ClinVar (database versions not stated): ESP Exome Variant Server 0.00031; gnomAD exomes 0.00040 and 0.00014; ExAC 0.00012; gnomAD 0.00016 and 0.00017; TOPMed 0.00017.

Submissions (5):

Labcorp Genetics (formerly Invitae), Labcorp
Classification: Uncertain significance. Last evaluated: 2026-02-02. Review status: criteria provided, single submitter. Criteria: Invitae Variant Classification Sherloc (09022015). Collection method: clinical testing. Allele origin: germline.
Comment: This sequence change replaces arginine, which is basic and polar, with tryptophan, which is neutral and slightly polar, at codon 431 of the PTPN23 protein (p.Arg431Trp). This variant is present in population databases (rs150712932, gnomAD 0.03%). This missense change has been observed in individual(s) with clinical features of PTPN23-related conditions (PMID: 31395947). ClinVar contains an entry for this variant (Variation ID: 636317). Experimental studies and prediction algorithms are not available or were not evaluated, and the functional significance of this variant is currently unknown. In summary, the available evidence is currently insufficient to determine the role of this variant in disease. Therefore, it has been classified as a Variant of Uncertain Significance.

Blueprint Genetics
Classification: Uncertain significance. Last evaluated: 2024-10-28. Review status: criteria provided, single submitter. Criteria: ACMG Guidelines, 2015. Collection method: clinical testing. Allele origin: germline.

GeneDx
Classification: Uncertain significance. Last evaluated: 2024-03-05. Review status: criteria provided, single submitter. Criteria: GeneDx Variant Classification Process June 2021. Collection method: clinical testing. Allele origin: germline. Affected: yes.
Comment: In silico analysis supports that this missense variant has a deleterious effect on protein structure/function; This variant is associated with the following publications: (PMID: 31395947)

Revvity Omics, Revvity
Classification: Uncertain significance for Neurodevelopmental disorder and structural brain anomalies with or without seizures and spasticity. Last evaluated: 2021-10-07. Review status: criteria provided, single submitter. Criteria: ACMG Guidelines, 2015. Collection method: clinical testing. Allele origin: germline.

Regeneron Genetics Center, Regeneron
Classification: Likely pathogenic for Global developmental delay; Brain atrophy. Last evaluated: 2019-02-15. Review status: no assertion criteria provided. Collection method: research. Allele origin: germline. Affected: yes. Not counted in ClinVar's aggregate classification.
Comment: Identified in cohort of patients with neurodevelopmental disorder accompanied by structural brain abnormalities

Literature cited by the submitters: PubMed 31395947 (cited by Labcorp Genetics (formerly Invitae), Labcorp).